The following is an entry in ClinVar:

NM_004595.5(SMS):c.535C>T (p.Arg179Trp)

Gene: SMS (spermine synthase; plus strand). Cytogenetic location: Xp22.11.
Variant type: single nucleotide variant.
Coding change: c.535C>T on transcript NM_004595.5 (MANE Select); coding-DNA position 535, C replaced by T.
Protein change: p.Arg179Trp; replaces arginine 179 with tryptophan.
Molecular consequence: missense variant.
Genome position (GRCh38, 1-based): chrX:21,977,989, C>T. VCF-style: chrX-21977989-C-T. GRCh37 (hg19) VCF-style: chrX-21996107-C-T.
Other names: c.376C>T, p.Arg126Trp (NM_001258423.2); c.535C>T (NM_004595.2); short protein forms R126W, R179W.
Identifiers: ClinVar variation 1175813 (VCV001175813.42), dbSNP rs372123008, ClinGen allele CA327512496.

ClinVar aggregate classification (germline): Uncertain significance. Review status: criteria provided, multiple submitters, no conflicts (2 of 4 stars). 3 submissions from 3 submitters: Uncertain significance (3). Last evaluated 2022-08-31.

Allele frequency attached by ClinVar (database versions not stated): TOPMed below 0.00001; gnomAD exomes 0.00001; ESP Exome Variant Server 0.00009.

Submissions (3):

GeneDx
Classification: Uncertain significance. Last evaluated: 2022-08-31. Review status: criteria provided, single submitter. Criteria: GeneDx Variant Classification Process June 2021. Collection method: clinical testing. Allele origin: germline. Affected: yes.
Comment: In silico analysis supports that this missense variant has a deleterious effect on protein structure/function; Has not been previously published as pathogenic or benign to our knowledge

Labcorp Genetics (formerly Invitae), Labcorp
Classification: Uncertain significance. Last evaluated: 2021-06-15. Review status: criteria provided, single submitter. Criteria: Invitae Variant Classification Sherloc (09022015). Collection method: clinical testing. Allele origin: germline.
Comment: In summary, the available evidence is currently insufficient to determine the role of this variant in disease. Therefore, it has been classified as a Variant of Uncertain Significance. Algorithms developed to predict the effect of missense changes on protein structure and function are either unavailable or do not agree on the potential impact of this missense change (SIFT: "Deleterious"; PolyPhen-2: "Benign"; Align-GVGD: "Class C15"). This variant has not been reported in the literature in individuals with SMS-related conditions. This variant is not present in population databases (ExAC no frequency). This sequence change replaces arginine with tryptophan at codon 179 of the SMS protein (p.Arg179Trp). The arginine residue is weakly conserved and there is a moderate physicochemical difference between arginine and tryptophan.

CeGaT Center for Human Genetics Tuebingen
Classification: Uncertain significance. Last evaluated: 2021-05-01. Review status: criteria provided, single submitter. Criteria: CeGaT Center For Human Genetics Tuebingen Variant Classification Criteria Version 2. Collection method: clinical testing. Allele origin: germline. Affected: yes. Observed: 1 variant allele.